The following is an entry in ClinVar:

NM_001844.5(COL2A1):c.1195G>A (p.Gly399Arg)

Gene: COL2A1 (collagen type II alpha 1 chain; minus strand). Cytogenetic location: 12q13.11.
Variant type: single nucleotide variant.
Coding change: c.1195G>A on transcript NM_001844.5 (MANE Select); coding-DNA position 1195, G replaced by A.
Protein change: p.Gly399Arg; replaces glycine 399 with arginine.
Molecular consequence: missense variant.
Genome position (GRCh38, 1-based): chr12:47,987,637, C>T on the plus strand (G>A on the coding strand, the complement: COL2A1 is on the minus strand). VCF-style: chr12-47987637-C-T. GRCh37 (hg19) VCF-style: chr12-48381420-C-T.
Other names: c.988G>A, p.Gly330Arg (NM_033150.3); short protein forms G330R, G399R.
Identifiers: ClinVar variation 1326895 (VCV001326895.5), dbSNP rs2136579152, ClinGen allele CA384554438.

ClinVar aggregate classification (germline): Pathogenic. Review status: criteria provided, multiple submitters, no conflicts (2 of 4 stars). 2 submissions from 2 submitters: Pathogenic (2). Last evaluated 2024-10-27.

Conditions:
Spondyloepiphyseal dysplasia congenita (SEDC). Also called: SED CONGENITA; SPONDYLOEPIPHYSEAL DYSPLASIA, CONGENITAL TYPE. Identifiers: Orphanet 94068, MedGen C2745959, MONDO:0008471, OMIM 183900.

Submissions (2):

Labcorp Genetics (formerly Invitae), Labcorp
Classification: Pathogenic. Last evaluated: 2024-10-27. Review status: criteria provided, single submitter. Criteria: Invitae Variant Classification Sherloc (09022015). Collection method: clinical testing. Allele origin: germline.
Comment: This sequence change replaces glycine, which is neutral and non-polar, with arginine, which is basic and polar, at codon 399 of the COL2A1 protein (p.Gly399Arg). This variant is not present in population databases (gnomAD no frequency). This missense change has been observed in individual(s) with autosomal dominant COL2A1-related conditions (PMID: 35052477). In at least one individual the variant was observed to be de novo. ClinVar contains an entry for this variant (Variation ID: 1326895). Invitae Evidence Modeling of protein sequence and biophysical properties (such as structural, functional, and spatial information, amino acid conservation, physicochemical variation, residue mobility, and thermodynamic stability) indicates that this missense variant is expected to disrupt COL2A1 protein function with a positive predictive value of 95%. This variant disrupts the triple helix domain of COL2A1. Glycine residues within the Gly-Xaa-Yaa repeats of the triple helix domain are required for the structure and stability of fibrillar collagens (PMID: 7695699, 8218237, 19344236). In COL2A1, variants affecting these glycine residues are significantly enriched in individuals with disease (PMID: 9016532, 17078022) compared to the general population (ExAC). For these reasons, this variant has been classified as Pathogenic.

Laboratory of Inherited Metabolic Diseases, Research centre for medical genetics
Classification: Pathogenic for Spondyloepiphyseal dysplasia congenita. Last evaluated: 2020-11-17. Review status: criteria provided, single submitter. Criteria: ACMG Guidelines, 2015. Collection method: clinical testing. Allele origin: de novo. Affected: yes. Observed: 1 variant allele.

Literature cited by the submitters: PubMed 35052477 (cited by Labcorp Genetics (formerly Invitae), Labcorp); PubMed 7695699 (cited by Labcorp Genetics (formerly Invitae), Labcorp); PubMed 8218237 (cited by Labcorp Genetics (formerly Invitae), Labcorp); PubMed 19344236 (cited by Labcorp Genetics (formerly Invitae), Labcorp); PubMed 9016532 (cited by Labcorp Genetics (formerly Invitae), Labcorp); PubMed 17078022 (cited by Labcorp Genetics (formerly Invitae), Labcorp).